The following is an entry in ClinVar:

ClinVar aggregate classification (germline): Conflicting classifications of pathogenicity. Review status: criteria provided, conflicting classifications (1 of 4 stars). 14 submissions from 14 submitters: Pathogenic (2); Uncertain significance (7); Likely benign (3). 2 of the submissions do not count toward it. Last evaluated 2026-07-07.

Conditions:
Polycystic kidney disease. Also called: Kidney, Polycystic; Polycystic kidney dysplasia. Identifiers: MedGen C0022680, MeSH D007690, MONDO:0020642, HP:0000113.
Fetal anomalies with a likely genetic cause.
PKD1-Biallelic Autosomal Recessive Polycystic Kidney Disease.
PKD1-related disorder. Also called: PKD1-related condition.
Autosomal dominant polycystic kidney disease. Identifiers: Orphanet 730, MedGen C0085413, MONDO:0004691.
Polycystic kidney disease, adult type (PKD1). Also called: POLYCYSTIC KIDNEY DISEASE, ADULT, TYPE I; Polycystic Kidney, Autosomal Dominant; POLYCYSTIC KIDNEY DISEASE 1 WITH OR WITHOUT POLYCYSTIC LIVER DISEASE; Polycystic Kidney Disease 1, Autosomal Dominant; Polycystic kidney disease 1; Polycystic kidney disease 1, severe. Identifiers: MedGen C3149841, MONDO:0008263, OMIM 173900.

Allele frequency attached by ClinVar (database versions not stated): 1000 Genomes Project 30x 0.00016; 1000 Genomes Project 0.00020; ESP Exome Variant Server 0.00069; TOPMed 0.00082; gnomAD exomes 0.00099; ExAC 0.00110; gnomAD 0.00120 and 0.00125.
gnomAD v4.1: 1,741 of 1,610,874 alleles (0.11%); highest among the groups gnomAD compares: Non-Finnish European, 0.13%; 6 homozygotes.

Submissions (14):

PreventionGenetics, part of Exact Sciences
Classification: Uncertain significance for PKD1-related condition. Last evaluated: 2026-07-07. Review status: criteria provided, single submitter. Criteria: ACMG Guidelines, 2015. Collection method: clinical testing. Allele origin: germline.
Comment: The PKD1 c.9499A>T variant is predicted to result in the amino acid substitution p.Ile3167Phe. This variant has been reported in patients with autosomal dominant polycystic kidney disease (ADPKD), often in the compound heterozygous state with a pathogenic variant present on the other PKD1 allele (Mantovani et al. 2020. PubMed ID: 32457805; Durkie et al. 2021. PubMed ID: 33168999; Janssens et al. 2021. PubMed ID: 34169210; Smogavec et al. 2022. PubMed ID: 34974531). It is listed as “uncertain” and commented as possibly a modifier or weak variant in an ADPKD-specific variant database and is suspected to possibly be a hypomorphic variant (Mantovani et al. 2020. PubMed ID: 32457805; Durkie et al. 2021. PubMed ID: 33168999). In ClinVar, this variant has classifications ranging from likely benign to pathogenic (Variation ID: 440135). Taken together, although we suspect this variant may be benign on its own, at this time, the clinical significance of this variant is uncertain due to the absence of conclusive functional and genetic evidence.

CeGaT Center for Human Genetics Tuebingen
Classification: Likely benign. Last evaluated: 2026-05-01. Review status: criteria provided, single submitter. Criteria: CeGaT Center For Human Genetics Tuebingen Variant Classification Criteria Version 2. Collection method: clinical testing. Allele origin: germline. Affected: yes. Observed: 5 variant alleles.
Comment: PKD1: BP4, BS2

Genetics Laboratory, Great Ormond Street Hospital NHS Foundation Trust, North Thames Genomic Laboratory Hub
Classification: Uncertain significance for Fetal anomalies with a likely genetic cause. Last evaluated: 2026-03-09. Review status: criteria provided, single submitter. Criteria: ACGS Best Practice Guidelines for Variant Classification in Rare Disease 2024 v1.2. Collection method: clinical testing. Allele origin: germline. Affected: yes.
Comment: PM3_very-strong

GeneDx
Classification: Uncertain significance. Last evaluated: 2025-11-24. Review status: criteria provided, single submitter. Criteria: GeneDx Variant Classification Process June 2021. Collection method: clinical testing. Allele origin: germline. Affected: yes.
Comment: Observed multiple times with a truncating variant on the opposite allele (in trans) in unrelated patients with in utero or early childhood presentation of polycystic kidney disease; often inherited from a presumably unaffected parent, suggesting that p.(I3167F) is a hypomorphic allele resulting in severe disease in compound heterozygous individuals (PMID: 33168999, 34169210, 32457805); Identified in individuals with autosomal dominant polycystic kidney disease in published literature, however, familial segregation data and in vitro functional studies were not included (PMID: 11967008, 23300259, 29338003); In silico analysis supports that this missense variant has a deleterious effect on protein structure/function; This variant is associated with the following publications: (PMID: 23300259, 29338003, 11967008, 32457805, 33168999, 34169210, 34426522, 30476936, 37372410, 37231942, 37635794, 34974531, 40225160)

Women's Health and Genetics/Laboratory Corporation of America, LabCorp
Classification: Pathogenic for PKD1-Biallelic Autosomal Recessive Polycystic Kidney Disease. Last evaluated: 2025-11-18. Review status: criteria provided, single submitter. Criteria: LabCorp Variant Classification Summary - May 2015. Collection method: clinical testing. Allele origin: germline.
Comment: Variant summary: PKD1 c.9499A>T (p.Ile3167Phe) results in a non-conservative amino acid change in the encoded protein sequence. Algorithms developed to predict the effect of missense changes on protein structure and function are either unavailable or do not agree on the potential impact of this missense change. The variant allele was found at a frequency of 0.00099 in 249424 control chromosomes in the gnomAD database, including 1 homozygote. This frequency is not significantly higher than estimated for disease-causing variants in PKD1, allowing no conclusion about variant significance. c.9499A>T has been observed as a hypomorphic allele in trans with pathogenic PKD1 variants in multiple individuals affected with severe, very early onset Polycystic Kidney Disease (e.g., Mantovani_2020, Durkie_2021, Janssens_2021, Smogavec_2022, Durkie_2023), though it does not appear to result in cysts in isolation. These data indicate that the variant is very likely to be associated with disease. It has also been reported in individuals in the context of Autosomal Dominant Polycystic Kidney Disease (e.g., Rossetti_2002, Neumann_2013), however segregation with disease was not demonstrated. The following publications have been ascertained in the context of this evaluation (PMID: 32457805, 33168999, 23300259, 34169210, 11967008, 34974531, 40225160). ClinVar contains an entry for this variant (Variation ID: 440135). Based on the evidence outlined above, the variant was classified as pathogenic for PKD1-Biallelic Autosomal Recessive Polycystic Kidney Disease, with evidence of a hypomorphic effect.

Laboratory of Genetics, Children's Clinical University Hospital Latvia
Classification: Uncertain significance. Last evaluated: 2025-02-16. Review status: criteria provided, single submitter. Criteria: ACMG Guidelines, 2015. Collection method: clinical testing. Allele origin: germline. Affected: yes.

Mayo Clinic Laboratories, Mayo Clinic
Classification: Uncertain significance. Last evaluated: 2025-02-08. Review status: criteria provided, single submitter. Criteria: ACMG Guidelines, 2015. Collection method: clinical testing. Allele origin: germline. Observed: 2 variant alleles.
Comment: BS1

Blueprint Genetics
Classification: Uncertain significance. Last evaluated: 2024-11-11. Review status: criteria provided, single submitter. Criteria: ACMG Guidelines, 2015. Collection method: clinical testing. Allele origin: germline.

North East and Yorkshire NHS Genomic Laboratory Hub
Classification: Pathogenic for Polycystic kidney disease, adult type. Last evaluated: 2024-05-20. Review status: criteria provided, single submitter. Criteria: ACMG Guidelines, 2015. Collection method: clinical testing. Allele origin: germline. Inheritance: Autosomal recessive inheritance. Affected: yes.
Comment: Unusual hypomorphic variant that is common in population but causes very severe early onset PKD when inherited in trans with another variant: DOI 10.1155/2023/5597005 Durkie et al. shows this variant is found in 10 VEO-PKD cases from 7 families. New paper shows also in trans Smogavex et al. 2022 so 8 families. this is LIKELY HYPOMOPHIC VARIANT associated with VEO-PKD when in trans with 2nd variant (hypomorphic/LP/P). It does NOT cause cysts in isolation so should not be reported in isolation in the context of adult-onset ADPKD

Molecular Genetics of Inherited Kidney Disorders Laboratory, Garvan Institute of Medical Research
Classification: Likely benign for Autosomal dominant polycystic kidney disease. Last evaluated: 2019-01-01. Review status: criteria provided, single submitter. Criteria: ACMG Guidelines, 2015. Collection method: research. Allele origin: germline. Affected: yes.

ARUP Laboratories, Molecular Genetics and Genomics, ARUP Laboratories
Classification: Uncertain significance. Last evaluated: 2017-06-01. Review status: criteria provided, single submitter. Criteria: ARUP Molecular Germline Variant Investigation Process. Collection method: clinical testing. Allele origin: germline.

Athena Diagnostics
Classification: Likely benign. Last evaluated: 2017-05-25. Review status: criteria provided, single submitter. Criteria: Athena Diagnostics Criteria. Collection method: clinical testing. Allele origin: germline.

Bioscientia Institut fuer Medizinische Diagnostik GmbH, Sonic Healthcare
Classification: Uncertain significance for Polycystic kidney disease, adult type. Last evaluated: 2018-03-07. Review status: no assertion criteria provided. Collection method: clinical testing. Allele origin: germline. Affected: yes. Not counted in ClinVar's aggregate classification.

Department of Pathology and Laboratory Medicine, Sinai Health System
Classification: Uncertain significance for Polycystic Kidney disease. Review status: no assertion criteria provided. Collection method: clinical testing. Allele origin: unknown. Affected: yes. Study: The Canadian Open Genetics Repository (COGR). Not counted in ClinVar's aggregate classification.
Comment: The PKD1 p.Ile3167Phe variant was identified in 1 of 90 proband chromosomes (frequency: 0.01) from individuals or families with ADPKD (Rossetti_2002_11967008). The variant was also identified in dbSNP (ID: rs139945204) as â€šÃ„ÃºNAâ€šÃ„Ã¹, ClinVar (classified as uncertain significance by ARUP), LOVD 3.0 (1X) and ADPKD Mutation Database (as indeterminate), and was not identified in GeneInsight-COGR and PKD1-LOVD. The variant was identified in control databases in 333 (1 homozygous) of 276076 chromosomes at a frequency of 0.001 increasing the likelihood this could be a low frequency benign variant (Genome Aggregation Database Feb 27, 2017). Breakdown of the observations by population include Other in 7 of 6438 chromosomes (freq: 0.001), Latino in 2 of 34416 chromosomes (freq: 0.00006), European Non-Finnish in 262 (1 homozygous) of 125774 chromosomes (freq: 0.002), European Finnish in 42 of 25790 chromosomes (freq: 0.002), and South Asian in 20 of 30774 chromosomes (freq: 0.0007) while not observed in the African, Ashkenazi Jewish and East Asian population. In addition we cannot be certain that data from control databases is specific to PKD1 and not from one of the six PKD1 pseudogenes. The p.Ile3167 residue is not conserved in mammals and computational analyses (PolyPhen-2, SIFT, AlignGVGD, BLOSUM, MutationTaster) provide inconsistent predictions regarding the impact of the variant Phe to the protein; this information is not very predictive of pathogenicity. The variant occurs outside of the splicing consensus sequence and in silico or computational prediction software programs (SpliceSiteFinder, MaxEntScan, NNSPLICE, GeneSplicer, HumanSpliceFinder) do not predict a difference in splicing. In summary, based on the above information the clinical significance of this variant cannot be determined with certainty at this time. This variant is classified as a variant of uncertain significance.

Literature cited by the submitters: PubMed 32457805 (cited by Women's Health and Genetics/Laboratory Corporation of America, LabCorp and Mayo Clinic Laboratories, Mayo Clinic); PubMed 33168999 (cited by 3 submitters); PubMed 23300259 (cited by Women's Health and Genetics/Laboratory Corporation of America, LabCorp); PubMed 34974531 (cited by 3 submitters); PubMed 34169210 (cited by Women's Health and Genetics/Laboratory Corporation of America, LabCorp); PubMed 11967008 (cited by 3 submitters); PubMed 40225160 (cited by Women's Health and Genetics/Laboratory Corporation of America, LabCorp); PubMed 30476936 (cited by Mayo Clinic Laboratories, Mayo Clinic); PubMed 35327948 (cited by Mayo Clinic Laboratories, Mayo Clinic).

NM_001009944.3(PKD1):c.9499A>T (p.Ile3167Phe)

Gene: PKD1 (polycystin 1, transient receptor potential channel interacting; minus strand). Cytogenetic location: 16p13.3.
Variant type: single nucleotide variant.
Coding change: c.9499A>T on transcript NM_001009944.3 (MANE Select); coding-DNA position 9499, A replaced by T.
Protein change: p.Ile3167Phe; replaces isoleucine 3167 with phenylalanine.
Molecular consequence: missense variant.
Genome position (GRCh38, 1-based): chr16:2,100,465, T>A on the plus strand (A>T on the coding strand, the complement: PKD1 is on the minus strand). VCF-style: chr16-2100465-T-A. GRCh37 (hg19) VCF-style: chr16-2150466-T-A.
Other names: c.9499A>T, p.Ile3167Phe (NM_000296.4); short protein forms I3167F.
Identifiers: ClinVar variation 440135 (VCV000440135.48), dbSNP rs139945204, ClinGen allele CA7830069.